The following is an entry in ClinVar:

ClinVar aggregate classification (germline): Uncertain significance (1 of 4 stars; one submission).

Submission:

GeneDx
Classification: Uncertain significance. Last evaluated: 2025-04-08. Review status: criteria provided, single submitter. Criteria: GeneDx Variant Classification Process June 2021. Collection method: clinical testing. Allele origin: germline. Affected: yes.
Comment: Not observed at significant frequency in large population cohorts (gnomAD); In silico analysis supports that this missense variant has a deleterious effect on protein structure/function; Has not been previously published as pathogenic or benign to our knowledge

NM_000276.4(OCRL):c.1232T>C (p.Ile411Thr)

Gene: OCRL (OCRL inositol polyphosphate-5-phosphatase; plus strand). Cytogenetic location: Xq26.1.
Variant type: single nucleotide variant.
Coding change: c.1232T>C on transcript NM_000276.4 (MANE Select); coding-DNA position 1232, T replaced by C.
Protein change: p.Ile411Thr; replaces isoleucine 411 with threonine.
Molecular consequence: missense variant.
Genome position (GRCh38, 1-based): chrX:129,562,774, T>C. VCF-style: chrX-129562774-T-C. GRCh37 (hg19) VCF-style: chrX-128696751-T-C.
Other names: c.1235T>C, p.Ile412Thr (NM_001318784.2); c.1232T>C, p.Ile411Thr (NM_001587.4); short protein forms I411T, I412T.
Identifiers: ClinVar variation 4281853 (VCV004281853.1).